The following is an entry in ClinVar:

NM_052947.4(ALPK2):c.4668C>A (p.Asp1556Glu)

Genes: ALPK2 (alpha kinase 2; minus strand), LOC126862764 (BRD4-independent group 4 enhancer GRCh37_chr18:56202574-56203773; plus strand). Cytogenetic location: 18q21.31.
Variant type: single nucleotide variant.
Coding change: c.4668C>A on transcript NM_052947.4 (MANE Select); coding-DNA position 4668, C replaced by A.
Protein change: p.Asp1556Glu; replaces aspartic acid 1556 with glutamic acid.
Molecular consequence: missense variant.
Genome position (GRCh38, 1-based): chr18:58,535,519, G>T on the plus strand (C>A on the coding strand, the complement: ALPK2 is on the minus strand). VCF-style: chr18-58535519-G-T. GRCh37 (hg19) VCF-style: chr18-56202751-G-T.
Other names: short protein forms D1556E.
Identifiers: ClinVar variation 3290830 (VCV003290830.1).

ClinVar aggregate classification (germline): Uncertain significance (1 of 4 stars; one submission).

Submission:

Ambry Genetics
Classification: Uncertain significance. Last evaluated: 2024-06-23. Review status: criteria provided, single submitter. Criteria: Ambry Variant Classification Scheme 2023. Collection method: clinical testing. Allele origin: germline.
Comment: The p.D1556E variant (also known as c.4668C>A), located in coding exon 4 of the ALPK2 gene, results from a C to A substitution at nucleotide position 4668. The aspartic acid at codon 1556 is replaced by glutamic acid, an amino acid with highly similar properties. This amino acid position is conserved. In addition, this alteration is predicted to be tolerated by in silico analysis. Based on the available evidence, the clinical significance of this variant remains unclear.